The following is an entry in ClinVar:

NM_001111125.3(IQSEC2):c.2336dup (p.Phe780fs)

Gene: IQSEC2 (IQ motif and Sec7 domain ArfGEF 2; minus strand). Cytogenetic location: Xp11.22.
Variant type: Duplication.
Coding change: c.2336dup on transcript NM_001111125.3 (MANE Select); coding-DNA position 2336, one base duplicated (G; older notation c.2336dupG).
Protein change: p.Phe780fs; shifts the reading frame from phenylalanine 780.
Molecular consequence: frameshift variant.
Genome position (GRCh38, 1-based): chrX:53,248,844, C duplicated on the plus strand (G on the coding strand, the reverse complement: IQSEC2 is on the minus strand); the first of 4 consecutive C bases (chrX:53,248,844-53,248,847); duplicating any one gives the same sequence. VCF-style (leftmost placement, unchanged base first): chrX-53248843-G-GC. GRCh37 (hg19) VCF-style: chrX-53278025-G-GC.
Other names: c.2336dup, p.Phe780fs (NM_001410736.1); c.1721dup, p.Phe575fs (NM_015075.2); short protein forms F575fs, F780fs.
Identifiers: ClinVar variation 3637960 (VCV003637960.2).

ClinVar aggregate classification (germline): Pathogenic (1 of 4 stars; one submission).

Conditions:
Intellectual developmental disorder, X-linked 1. Also called: Atkin Flaitz Patil Smith syndrome; MENTAL RETARDATION, X-LINKED 18; MENTAL RETARDATION, X-LINKED 78; Intellectual disability, X-linked 1. Identifiers: Orphanet 777, MedGen C2931498, MONDO:0010656, OMIM 309530.

Submission:

Labcorp Genetics (formerly Invitae), Labcorp
Classification: Pathogenic for Intellectual developmental disorder, X-linked 1. Last evaluated: 2024-02-01. Review status: criteria provided, single submitter. Criteria: Invitae Variant Classification Sherloc (09022015). Collection method: clinical testing. Allele origin: germline.
Comment: This sequence change creates a premature translational stop signal (p.Phe780Leufs*46) in the IQSEC2 gene. It is expected to result in an absent or disrupted protein product. Loss-of-function variants in IQSEC2 are known to be pathogenic (PMID: 21686261, 26793055, 27665735). This variant is not present in population databases (gnomAD no frequency). This variant has not been reported in the literature in individuals affected with IQSEC2-related conditions. For these reasons, this variant has been classified as Pathogenic.

Literature cited by the submitters: PubMed 21686261; PubMed 26793055; PubMed 27665735.